The following is an entry in ClinVar:

ClinVar aggregate classification (germline): Uncertain significance (1 of 4 stars; one submission).

Conditions:
Hereditary spastic paraplegia 31. Also called: SPASTIC PARAPLEGIA 31, AUTOSOMAL DOMINANT. Identifiers: Orphanet 101011, MedGen C1853247, MONDO:0012453, OMIM 610250.

Submission:

Labcorp Genetics (formerly Invitae), Labcorp
Classification: Uncertain significance for Spastic paraplegia 31, autosomal dominant. Last evaluated: 2019-12-31. Review status: criteria provided, single submitter. Criteria: Invitae Variant Classification Sherloc (09022015). Collection method: clinical testing. Allele origin: germline.
Comment: This variant results in a copy number gain of the genomic region encompassing exons 2-7 of the REEP1 gene. The 5' boundary is likely confined to intron 1. The 3' end of this event is unknown as it extends beyond the assayed region for this gene and therefore may encompass additional genes. As the precise location of this event is unknown, it may be in tandem or it may be located elsewhere in the genome. A similar variant has been observed in a family affected with hereditary spastic paraplegia (PMID: 18321925). Experimental studies and prediction algorithms are not available for this variant, and the functional significance of the affected amino acid(s) is currently unknown. In summary, the available evidence is currently insufficient to determine the role of this variant in disease. Therefore, it has been classified as a Variant of Uncertain Significance.

Literature cited by the submitters: PubMed 18321925.

NC_000002.11:g.(?_86444152)_(86509375_?)dup

Genes: REEP1 (receptor accessory protein 1; minus strand), LOC112841602 (Sharpr-MPRA regulatory region 10968; plus strand), LOC122787147 (Sharpr-MPRA regulatory region 10790; plus strand), LOC129934249 (ATAC-STARR-seq lymphoblastoid silent region 11711; plus strand). Cytogenetic location: 2p11.2.
Variant type: Duplication.
Identifiers: ClinVar variation 643719 (VCV000643719.2).